The following is an entry in ClinVar:

ClinVar aggregate classification (germline): Uncertain significance (1 of 4 stars; one submission).

Submission:

GeneDx
Classification: Uncertain significance. Last evaluated: 2024-01-30. Review status: criteria provided, single submitter. Criteria: GeneDx Variant Classification Process June 2021. Collection method: clinical testing. Allele origin: germline. Affected: yes.
Comment: Not observed at significant frequency in large population cohorts (gnomAD); In silico analysis supports that this missense variant does not alter protein structure/function; Has not been previously published as pathogenic or benign to our knowledge

NM_032436.4(CHAMP1):c.2255T>C (p.Leu752Pro)

Gene: CHAMP1 (chromosome alignment maintaining phosphoprotein 1; plus strand). Cytogenetic location: 13q34.
Variant type: single nucleotide variant.
Coding change: c.2255T>C on transcript NM_032436.4 (MANE Select); coding-DNA position 2255, T replaced by C.
Protein change: p.Leu752Pro; replaces leucine 752 with proline.
Molecular consequence: missense variant.
Genome position (GRCh38, 1-based): chr13:114,326,097, T>C. VCF-style: chr13-114326097-T-C. GRCh37 (hg19) VCF-style: chr13-115091572-T-C.
Other names: c.2255T>C, p.Leu752Pro (NM_001164144.3, NM_001164145.3); short protein forms L752P.
Identifiers: ClinVar variation 3367646 (VCV003367646.1).